The following is an entry in ClinVar:

ClinVar aggregate classification (germline): Pathogenic. Review status: criteria provided, multiple submitters, no conflicts (2 of 4 stars). 12 submissions from 12 submitters: Pathogenic (11). 1 of the submissions does not count toward it. Last evaluated 2026-01-20.

Conditions:
BLM-related disorder. Also called: BLM-related condition.
Hereditary cancer-predisposing syndrome. Also called: Tumor predisposition; Neoplastic Syndromes, Hereditary; Hereditary neoplastic syndrome; Hereditary Cancer Syndrome. Identifiers: Orphanet 140162, MedGen C0027672, MeSH D009386, MONDO:0015356.
Bloom syndrome (BLM). Also called: Bloom-Torre-Machacek syndrome. Identifiers: Orphanet 125, MedGen C0005859, MONDO:0008876, OMIM 210900.

Allele frequency attached by ClinVar (database versions not stated): gnomAD exomes below 0.00001 and 0.00002; TOPMed 0.00001; ExAC 0.00002; gnomAD 0.00002.
gnomAD v4.1: 28 of 1,612,766 alleles (0.0017%); highest among the groups gnomAD compares: Non-Finnish European, 0.0023%; no homozygotes.

Submissions (12):

Labcorp Genetics (formerly Invitae), Labcorp
Classification: Pathogenic for Bloom syndrome. Last evaluated: 2026-01-20. Review status: criteria provided, single submitter. Criteria: Invitae Variant Classification Sherloc (09022015). Collection method: clinical testing. Allele origin: germline.
Comment: This sequence change creates a premature translational stop signal (p.Gln700*) in the BLM gene. It is expected to result in an absent or disrupted protein product. Loss-of-function variants in BLM are known to be pathogenic (PMID: 17407155). This variant is present in population databases (rs367543028, gnomAD 0.002%). This premature translational stop signal has been observed in individuals with Bloom syndrome (PMID: 17407155). ClinVar contains an entry for this variant (Variation ID: 42067). For these reasons, this variant has been classified as Pathogenic.

Myriad Genetics, Inc.
Classification: Pathogenic for Bloom syndrome. Last evaluated: 2025-12-11. Review status: criteria provided, single submitter. Criteria: Myriad Autosomal Dominant, Autosomal Recessive and X-Linked Classification Criteria (2023). Collection method: clinical testing. Allele origin: unknown.
Comment: This variant is considered pathogenic. This variant creates a termination codon and is predicted to result in premature protein truncation.

Natera, Inc.
Classification: Pathogenic for Bloom syndrome. Last evaluated: 2025-11-21. Review status: criteria provided, single submitter. Criteria: Natera Variant Classification Schema (03/2026). Collection method: clinical testing. Allele origin: germline.
Comment: The c.2098C>T variant in BLM is a nonsense variant predicted to introduce a stop codon at amino acid 700. This variant is expected to result in nonsense mediated decay, truncation, or a dysfunctional protein product. This variant is rare in the general population with a frequency below the threshold expected for the associated phenotype(s). This variant has been observed in one or more individuals affected with the associated recessive disease, as either homozygous or compound heterozygous with a second variant (PMID: 17407155). Given the available evidence, this variant is classified as Pathogenic.

Rady Children's Institute for Genomic Medicine, Rady Children's Hospital San Diego
Classification: Pathogenic for BLOOM SYNDROME. Last evaluated: 2024-08-01. Review status: criteria provided, single submitter. Criteria: ACMG Guidelines, 2015. Collection method: clinical testing. Allele origin: germline. Affected: yes.
Comment: This nonsense variant found in exon 9 of 22 is predicted to result in loss of normal protein function through either protein truncation or nonsense-mediated mRNA decay. Loss-of-function variation in BLM is an established mechanism of disease (PMID: 20301572). This variant has been previously reported as a compound heterozygous or homozygous change in multiple patients with Bloom syndrome (PMID: 17407155). Functional studies demonstrated that the c.2098C>T (p.Gln700Ter) variant results in decreased mRNA levels (PMID: 17407155). The c.2098C>T (p.Gln700Ter) variant is present in the heterozygous state in the gnomAD v4 population database at a frequency of 0.002% (28/1612766) and thus is presumed to be rare. Based on the available evidence, c.2098C>T (p.Gln700Ter) is classified as Pathogenic.

Baylor Genetics
Classification: Pathogenic for Bloom syndrome. Last evaluated: 2024-03-18. Review status: criteria provided, single submitter. Criteria: ACMG Guidelines, 2015. Collection method: clinical testing. Allele origin: unknown.

Blueprint Genetics
Classification: Pathogenic for BLM-related disorders. Last evaluated: 2024-02-28. Review status: criteria provided, single submitter. Criteria: ACMG Guidelines, 2015. Collection method: clinical testing. Allele origin: germline. Affected: yes. Observed: 1 variant allele.

Fulgent Genetics
Classification: Pathogenic for Bloom syndrome. Last evaluated: 2023-12-28. Review status: criteria provided, single submitter. Criteria: ACMG Guidelines, 2015. Collection method: clinical testing. Allele origin: germline.

GeneDx
Classification: Pathogenic. Last evaluated: 2022-05-18. Review status: criteria provided, single submitter. Criteria: GeneDx Variant Classification Process June 2021. Collection method: clinical testing. Allele origin: germline. Affected: yes.
Comment: Nonsense variant predicted to result in protein truncation or nonsense mediated decay in a gene for which loss-of-function is a known mechanism of disease; Not observed at a significant frequency in large population cohorts (gnomAD); This variant is associated with the following publications: (PMID: 25525159, 28232778, 26786923, 29625052, 26689913, 17407155)

Revvity Omics, Revvity
Classification: Pathogenic for Bloom syndrome. Last evaluated: 2022-03-02. Review status: criteria provided, single submitter. Criteria: ACMG Guidelines, 2015. Collection method: clinical testing. Allele origin: germline.

Ambry Genetics
Classification: Pathogenic for Hereditary cancer-predisposing syndrome. Last evaluated: 2021-10-20. Review status: criteria provided, single submitter. Criteria: Ambry Variant Classification Scheme 2023. Collection method: clinical testing. Allele origin: germline.
Comment: The p.Q700* pathogenic mutation (also known as c.2098C>T), located in coding exon 8 of the BLM gene, results from a C to T substitution at nucleotide position 2098. This changes the amino acid from a glutamine to a stop codon within coding exon 8. This alteration has been reported in both a homozygous and compound heterozygous state in multiple individuals with Bloom syndrome (German J et al. Hum. Mutat., 2007 Aug;28:743-53). This alteration is expected to result in loss of function by premature protein truncation or nonsense-mediated mRNA decay. As such, this alteration is interpreted as a disease-causing mutation.

Women's Health and Genetics/Laboratory Corporation of America, LabCorp
Classification: Pathogenic for Bloom syndrome. Last evaluated: 2018-09-14. Review status: criteria provided, single submitter. Criteria: LabCorp Variant Classification Summary - May 2015. Collection method: clinical testing. Allele origin: germline.
Comment: Variant summary: BLM c.2098C>T (p.Gln700X) results in a premature termination codon, predicted to cause a truncation of the encoded protein or absence of the protein due to nonsense mediated decay, which are commonly known mechanisms for disease. Truncations downstream of this position have been classified as pathogenic by our laboratory (e.g. c.2207_2212delinsTAGATTC (p.Tyr736fsX5) and c.2695C>T (p.Arg899X)). The variant allele was found at a frequency of 1.1e-05 in 277168 control chromosomes (gnomAD). c.2098C>T has been reported in the literature, in homozygosity or compound heterozygosity, in multiple individuals affected with Bloom Syndrome (German_2007). These data indicate that the variant is very likely to be associated with disease. At least one publication reports experimental evidence evaluating the variant impact. The most pronounced variant effect in homozygous individuals resulted in <20% mRNA amount compared to normal, based on Northern blot analyses (German_2007). Three ClinVar submissions from clinical diagnostic laboratories (evaluation after 2014) cite the variant as pathogenic. Based on the evidence outlined above, the variant was classified as pathogenic.

Counsyl
Classification: Pathogenic for Bloom syndrome. Last evaluated: 2015-12-07. Review status: no assertion criteria provided. Collection method: clinical testing. Allele origin: unknown. Not counted in ClinVar's aggregate classification.

Literature cited by the submitters: PubMed 17407155 (cited by 5 submitters); PubMed 25525159 (cited by Ambry Genetics); PubMed 26786923 (cited by Ambry Genetics); PubMed 29625052 (cited by Ambry Genetics).

NM_000057.4(BLM):c.2098C>T (p.Gln700Ter)

Gene: BLM (BLM RecQ like helicase; plus strand). Cytogenetic location: 15q26.1.
Variant type: single nucleotide variant.
Coding change: c.2098C>T on transcript NM_000057.4 (MANE Select); coding-DNA position 2098, C replaced by T.
Protein change: p.Gln700Ter; replaces glutamine 700 with a stop codon.
Molecular consequence: nonsense.
Genome position (GRCh38, 1-based): chr15:90,765,319, C>T. VCF-style: chr15-90765319-C-T. GRCh37 (hg19) VCF-style: chr15-91308549-C-T.
Other names: c.2098C>T, p.Gln700Ter (NM_001287246.2, NM_001287247.2); c.973C>T, p.Gln325Ter (NM_001287248.2); c.2098C>T (LRG_20t1); short protein forms Q700*, Q325*.
Identifiers: ClinVar variation 42067 (VCV000042067.36), dbSNP rs367543028, ClinGen allele CA344502.
Genomic context (GRCh38, chr15:90,765,319, plus strand): 5'-AGAACCTGACAGATATTTTTTCATTGTTCTCTTTCAGGAGGTGGTAAGAGTTTGTGTTAC[C>T]AGCTCCCTGCCTGTGTTTCTCCTGGGGTCACTGTTGTCATTTCTCCCTTGAGATCACTTA-3'